The following is an entry in ClinVar:

NM_001365276.2(TNXB):c.10183C>T (p.Arg3395Trp)

Gene: TNXB (tenascin XB; minus strand). Cytogenetic location: 6p21.33.
Variant type: single nucleotide variant.
Coding change: c.10183C>T on transcript NM_001365276.2 (MANE Select); coding-DNA position 10183, C replaced by T.
Protein change: p.Arg3395Trp; replaces arginine 3395 with tryptophan.
Molecular consequence: missense variant.
Genome position (GRCh38, 1-based): chr6:32,047,875, G>A on the plus strand (C>T on the coding strand, the complement: TNXB is on the minus strand). VCF-style: chr6-32047875-G-A. GRCh37 (hg19) VCF-style: chr6-32015652-G-A.
Other names: c.10924C>T, p.Arg3642Trp (NM_001428335.1); c.10177C>T, p.Arg3393Trp (NM_019105.8); short protein forms R3395W, R3393W, R3642W.
Identifiers: ClinVar variation 3180889 (VCV003180889.3), dbSNP rs762744408, ClinGen allele CA3733285.
Genomic context (GRCh38, chr6:32,047,875, plus strand): 5'-GCTCCAGGCCCTGGACTGTGACCTCCCGCTGGTTGGCTGCCACCGGCACCACCTGGAGCC[G>A]ACCATCCTTATCCTTGTACTGGACCACGAAGGAGTCGAATTCGCCCTCAGGGACCGTCCA-3'
Protein context (NP_001352205.1, residues 3385-3405): FVVQYKDKDG[Arg3395Trp]LQVVPVAANQ

ClinVar aggregate classification (germline): Conflicting classifications of pathogenicity. Review status: criteria provided, conflicting classifications (1 of 4 stars). 2 submissions from 2 submitters: Uncertain significance (1); Likely benign (1). Last evaluated 2025-06-03.

Conditions:
Cardiovascular phenotype. Identifiers: MedGen CN230736.

Allele frequency attached by ClinVar (database versions not stated): ExAC 0.00001; TOPMed 0.00006; gnomAD exomes 0.00001; gnomAD 0.00003.
gnomAD v4.1: 16 of 1,612,240 alleles (0.00099%); highest among the groups gnomAD compares: African/African-American, 0.0067%; no homozygotes.

Submissions (2):

Ambry Genetics
Classification: Likely benign for Cardiovascular phenotype. Last evaluated: 2025-06-03. Review status: criteria provided, single submitter. Criteria: Ambry Variant Classification Scheme 2023. Collection method: clinical testing. Allele origin: germline.

Women's Health and Genetics/Laboratory Corporation of America, LabCorp
Classification: Uncertain significance. Last evaluated: 2025-03-17. Review status: criteria provided, single submitter. Criteria: LabCorp Variant Classification Summary - May 2015. Collection method: clinical testing. Allele origin: germline.
Comment: Variant summary: TNXB c.10177C>T (p.Arg3393Trp) results in a non-conservative amino acid change in the encoded protein sequence. Three of five in-silico tools predict a damaging effect of the variant on protein function. The variant allele was found at a frequency of 8.2e-06 in 244512 control chromosomes. The available data on variant occurrences in the general population are insufficient to allow any conclusion about variant significance. To our knowledge, no occurrence of c.10177C>T in individuals affected with Ehlers-Danlos syndrome due to tenascin-X deficiency and no experimental evidence demonstrating its impact on protein function have been reported. ClinVar contains an entry for this variant (Variation ID: 3180889). Based on the evidence outlined above, the variant was classified as uncertain significance.